The following is an entry in ClinVar:

ClinVar aggregate classification (germline): Pathogenic (1 of 4 stars; one submission).

Conditions:
Gaucher disease. Also called: Acute cerebral Gaucher disease; Cerebroside lipidosis syndrome; Gaucher splenomegaly; Sphingolipidosis 1; Glucocerebrosidosis; Glucosylceramidase deficiency. Identifiers: Orphanet 355, MedGen C0017205, MONDO:0018150.

Submission:

Natera, Inc.
Classification: Pathogenic for Gaucher disease. Last evaluated: 2025-11-03. Review status: criteria provided, single submitter. Criteria: Natera Variant Classification Schema (03/2026). Collection method: clinical testing. Allele origin: germline.
Comment: The c.662C>T variant in GBA1 is a missense variant predicted to cause substitution of proline to leucine at amino acid 221. This variant is rare in the general population with a frequency below the threshold expected for the associated phenotype(s). This variant has been observed in one or more individuals affected with the associated recessive disease, as either homozygous or compound heterozygous with a second variant (PMID: 15605411, 34134921). Functional studies show that this variant may disrupt protein function (PMID: 15605411). A different variant at the same position has been determined to be Pathogenic or Likely Pathogenic. Computational prediction algorithms indicate this variant is likely to affect gene or protein function. Given the available evidence, this variant is classified as Pathogenic.

Literature cited by the submitters: PubMed 15605411; PubMed 34134921.

NM_000157.4(GBA1):c.662C>T (p.Pro221Leu)

Genes: GBA1 (glucosylceramidase beta 1; minus strand), LOC106627981 (GBA recombination region; plus strand). Cytogenetic location: 1q22.
Variant type: single nucleotide variant.
Coding change: c.662C>T on transcript NM_000157.4 (MANE Select); coding-DNA position 662, C replaced by T.
Protein change: p.Pro221Leu; replaces proline 221 with leucine.
Molecular consequence: missense variant.
Genome position (GRCh38, 1-based): chr1:155,238,233, G>A on the plus strand (C>T on the coding strand, the complement: GBA1 is on the minus strand). VCF-style: chr1-155238233-G-A. GRCh37 (hg19) VCF-style: chr1-155208024-G-A.
Other names: c.662C>T, p.Pro221Leu (NM_001005741.3, NM_001005742.3); c.401C>T, p.Pro134Leu (NM_001171811.2); c.515C>T, p.Pro172Leu (NM_001171812.2); short protein forms P134L, P172L, P221L.
Identifiers: ClinVar variation 4817790 (VCV004817790.1).